The following is an entry in ClinVar:

ClinVar aggregate classification (germline): Uncertain significance (1 of 4 stars; one submission).

gnomAD v4.1: 8 of 1,613,810 alleles (0.0005%); highest among the groups gnomAD compares: Admixed American, 0.012%; no homozygotes.

Submission:

Labcorp Genetics (formerly Invitae), Labcorp
Classification: Uncertain significance. Last evaluated: 2024-05-22. Review status: criteria provided, single submitter. Criteria: Invitae Variant Classification Sherloc (09022015). Collection method: clinical testing. Allele origin: germline.
Comment: This sequence change replaces aspartic acid, which is acidic and polar, with glutamic acid, which is acidic and polar, at codon 530 of the MMP14 protein (p.Asp530Glu). This variant is present in population databases (rs767065741, gnomAD 0.02%). This variant has not been reported in the literature in individuals affected with MMP14-related conditions. Algorithms developed to predict the effect of missense changes on protein structure and function output the following: SIFT: "Not Available"; PolyPhen-2: "Benign"; Align-GVGD: "Not Available". The glutamic acid amino acid residue is found in multiple mammalian species, which suggests that this missense change does not adversely affect protein function. In summary, the available evidence is currently insufficient to determine the role of this variant in disease. Therefore, it has been classified as a Variant of Uncertain Significance.

NM_004995.4(MMP14):c.1590C>G (p.Asp530Glu)

Gene: MMP14 (matrix metallopeptidase 14; plus strand). Cytogenetic location: 14q11.2.
Variant type: single nucleotide variant.
Coding change: c.1590C>G on transcript NM_004995.4 (MANE Select); coding-DNA position 1590, C replaced by G.
Protein change: p.Asp530Glu; replaces aspartic acid 530 with glutamic acid.
Molecular consequence: missense variant.
Genome position (GRCh38, 1-based): chr14:22,845,880, C>G. VCF-style: chr14-22845880-C-G. GRCh37 (hg19) VCF-style: chr14-23315089-C-G.
Other names: short protein forms D530E.
Identifiers: ClinVar variation 3623091 (VCV003623091.2).
Genomic context (GRCh38, chr14:22,845,880, plus strand): 5'-GGGAGGCCGGCCGGATGAGGGGACTGAGGAGGAGACGGAGGTGATCATCATTGAGGTGGA[C>G]GAGGAGGGCGGCGGGGCGGTGAGCGCGGCTGCCGTGGTGCTGCCCGTGCTGCTGCTGCTC-3'
Protein context (NP_004986.1, residues 520-540): EETEVIIIEV[Asp530Glu]EEGGGAVSAA